The following is an entry in ClinVar:

NM_001388303.1(HECTD4):c.5616C>G (p.Pro1872=)

Gene: HECTD4 (HECT domain E3 ubiquitin protein ligase 4; minus strand). Cytogenetic location: 12q24.13.
Variant type: single nucleotide variant.
Coding change: c.5616C>G on transcript NM_001388303.1 (MANE Select); coding-DNA position 5616, C replaced by G.
Protein change: p.Pro1872=; no amino-acid change (proline 1872 retained).
Molecular consequence: synonymous variant.
Genome position (GRCh38, 1-based): chr12:112,235,613, G>C on the plus strand (C>G on the coding strand, the complement: HECTD4 is on the minus strand). VCF-style: chr12-112235613-G-C. GRCh37 (hg19) VCF-style: chr12-112673417-G-C.
Other names: c.5646C>G, p.Pro1882= (NM_001109662.4).
Identifiers: ClinVar variation 3777898 (VCV003777898.8).

ClinVar aggregate classification (germline): Likely benign. Review status: criteria provided, multiple submitters, no conflicts (2 of 4 stars). 2 submissions from 2 submitters: Likely benign (2). Last evaluated 2025-03-01.

gnomAD v4.1: 875 of 1,614,016 alleles (0.054%); highest among the groups gnomAD compares: Non-Finnish European, 0.064%; no homozygotes.

Submissions (2):

CeGaT Center for Human Genetics Tuebingen
Classification: Likely benign. Last evaluated: 2025-03-01. Review status: criteria provided, single submitter. Criteria: CeGaT Center For Human Genetics Tuebingen Variant Classification Criteria Version 2. Collection method: clinical testing. Allele origin: germline. Affected: yes. Observed: 1 variant allele.
Comment: HECTD4: BP4, BP7

Blueprint Genetics
Classification: Likely benign. Last evaluated: 2024-10-09. Review status: criteria provided, single submitter. Criteria: ACMG Guidelines, 2015. Collection method: clinical testing. Allele origin: germline.